The following is an entry in ClinVar:

ClinVar aggregate classification (germline): Uncertain significance (1 of 4 stars; one submission).

Conditions:
Hereditary cancer-predisposing syndrome. Also called: Neoplastic Syndromes, Hereditary; Tumor predisposition; Hereditary neoplastic syndrome; Hereditary Cancer Syndrome. Identifiers: Orphanet 140162, MedGen C0027672, MeSH D009386, MONDO:0015356.

Allele frequency attached by ClinVar (database versions not stated): gnomAD exomes below 0.00001; ExAC 0.00001.
gnomAD v4.1: 1 of 1,614,216 alleles (0.000062%); highest among the groups gnomAD compares: Non-Finnish European, 0.000085%; no homozygotes.

Submission:

Labcorp Genetics (formerly Invitae), Labcorp
Classification: Uncertain significance for Hereditary cancer-predisposing syndrome. Last evaluated: 2019-01-11. Review status: criteria provided, single submitter. Criteria: Invitae Variant Classification Sherloc (09022015). Collection method: clinical testing. Allele origin: germline.
Comment: Algorithms developed to predict the effect of missense changes on protein structure and function are either unavailable or do not agree on the potential impact of this missense change (SIFT: "Tolerated"; PolyPhen-2: "Probably Damaging"; Align-GVGD: "Class C0"). In summary, the available evidence is currently insufficient to determine the role of this variant in disease. Therefore, it has been classified as a Variant of Uncertain Significance. This variant has not been reported in the literature in individuals with RAD50-related disease. This variant is present in population databases (rs768280780, ExAC 0.001%). This sequence change replaces asparagine with serine at codon 1183 of the RAD50 protein (p.Asn1183Ser). The asparagine residue is moderately conserved and there is a small physicochemical difference between asparagine and serine.

NM_005732.4(RAD50):c.3548A>G (p.Asn1183Ser)

Genes: TH2LCRR (T helper type 2 locus control region associated RNA; minus strand), RAD50 (RAD50 double strand break repair protein; plus strand), TH2-LCR (Th2 cytokine locus control region; plus strand). Cytogenetic location: 5q31.1.
Variant type: single nucleotide variant.
Coding change: c.3548A>G on transcript NM_005732.4 (MANE Select); coding-DNA position 3548, A replaced by G.
Protein change: p.Asn1183Ser; replaces asparagine 1183 with serine.
Molecular consequence: missense variant. On other transcripts: non-coding transcript variant (2).
Genome position (GRCh38, 1-based): chr5:132,638,153, A>G. VCF-style: chr5-132638153-A-G. GRCh37 (hg19) VCF-style: chr5-131973845-A-G.
Other names: short protein forms N1183S.
Identifiers: ClinVar variation 579360 (VCV000579360.11), dbSNP rs768280780, ClinGen allele CA3405609.